The following is an entry in ClinVar:

ClinVar aggregate classification (germline): Uncertain significance (1 of 4 stars; one submission).

gnomAD v4.1: 2 of 1,614,056 alleles (0.00012%); highest among the groups gnomAD compares: Admixed American, 0.0017%; no homozygotes.

Submission:

Labcorp Genetics (formerly Invitae), Labcorp
Classification: Uncertain significance. Last evaluated: 2024-08-05. Review status: criteria provided, single submitter. Criteria: Invitae Variant Classification Sherloc (09022015). Collection method: clinical testing. Allele origin: germline.
Comment: This sequence change affects codon 837 of the SLC4A1 mRNA. It is a 'silent' change, meaning that it does not change the encoded amino acid sequence of the SLC4A1 protein. This variant is present in population databases (no rsID available, gnomAD 0.0009%). This variant has been observed in individual(s) with clinical features of SLC4A1-related disorders (Invitae). In at least one individual the data is consistent with being in trans (on the opposite chromosome) from a pathogenic variant. Algorithms developed to predict the effect of sequence changes on RNA splicing suggest that this variant may create or strengthen a splice site. In summary, the available evidence is currently insufficient to determine the role of this variant in disease. Therefore, it has been classified as a Variant of Uncertain Significance.

NM_000342.4(SLC4A1):c.2511G>A (p.Thr837=)

Gene: SLC4A1 (solute carrier family 4 member 1 (Diego blood group); minus strand). Cytogenetic location: 17q21.31.
Variant type: single nucleotide variant.
Coding change: c.2511G>A on transcript NM_000342.4 (MANE Select); coding-DNA position 2511, G replaced by A.
Protein change: p.Thr837=; no amino-acid change (threonine 837 retained).
Molecular consequence: synonymous variant.
Genome position (GRCh38, 1-based): chr17:44,251,303, C>T on the plus strand (G>A on the coding strand, the complement: SLC4A1 is on the minus strand). VCF-style: chr17-44251303-C-T. GRCh37 (hg19) VCF-style: chr17-42328671-C-T.
Identifiers: ClinVar variation 3689476 (VCV003689476.2).
Genomic context (GRCh38, chr17:44,251,303, plus strand): 5'-CAGGGAGGCCGGCGTGGACTTCACCACCCACAGCACTGCCAGGCAGATGATCTGGATGCC[C>T]GTGAATAAGTGCATGCGCCAGGTCTTCACCTGCAGGCGGAGGCTGGGGTCAGTGCCTATC-3'
Protein context (NP_000333.1, residues 827-847): RVKTWRMHLF[Thr837=]GIQIICLAVL